The following is an entry in ClinVar:

ClinVar aggregate classification (germline): Uncertain significance. Review status: criteria provided, multiple submitters, no conflicts (2 of 4 stars). 2 submissions from 2 submitters: Uncertain significance (2). Last evaluated 2023-09-04.

Conditions:
Hereditary cancer-predisposing syndrome. Also called: Hereditary neoplastic syndrome; Neoplastic Syndromes, Hereditary; Tumor predisposition; Hereditary Cancer Syndrome. Identifiers: Orphanet 140162, MedGen C0027672, MeSH D009386, MONDO:0015356.

Submissions (2):

Labcorp Genetics (formerly Invitae), Labcorp
Classification: Uncertain significance for Hereditary cancer-predisposing syndrome. Last evaluated: 2023-09-04. Review status: criteria provided, single submitter. Criteria: Invitae Variant Classification Sherloc (09022015). Collection method: clinical testing. Allele origin: germline.
Comment: This sequence change replaces serine, which is neutral and polar, with leucine, which is neutral and non-polar, at codon 447 of the RAD50 protein (p.Ser447Leu). This variant is not present in population databases (gnomAD no frequency). This variant has not been reported in the literature in individuals affected with RAD50-related conditions. ClinVar contains an entry for this variant (Variation ID: 184939). Advanced modeling of protein sequence and biophysical properties (such as structural, functional, and spatial information, amino acid conservation, physicochemical variation, residue mobility, and thermodynamic stability) performed at Invitae indicates that this missense variant is not expected to disrupt RAD50 protein function. In summary, the available evidence is currently insufficient to determine the role of this variant in disease. Therefore, it has been classified as a Variant of Uncertain Significance.

Ambry Genetics
Classification: Uncertain significance for Hereditary cancer-predisposing syndrome. Last evaluated: 2014-05-01. Review status: criteria provided, single submitter. Criteria: Ambry Autosomal Dominant and X-Linked criteria (10/2015). Collection method: clinical testing. Allele origin: germline. Observed: 1 variant allele.
Comment: The p.S447L variant (also known as c.1340C>T), located in coding exon 9 of the RAD50 gene, results from a C to T substitution at nucleotide position 1340. The serine at codon 447 is replaced by leucine, an amino acid with dissimilar properties. This variant was not reported in population based cohorts in the following databases: Database of Single Nucleotide Polymorphisms (dbSNP), NHLBI Exome Sequencing Project (ESP), and 1000 Genomes Project. To date, this alteration has been detected with an allele frequency of approximately 0.006% (greater than 15000 alleles tested) in our clinical cohort (includes this individual). This amino acid position is not well conserved in available vertebrate species. In addition, this alteration is predicted to be benign and tolerated by PolyPhen and SIFT in silico analyses, respectively. Since supporting evidence is limited at this time, the clinical significance of p.S447L remains unclear.Ã¢â‚¬â€¹

NM_005732.4(RAD50):c.1340C>T (p.Ser447Leu)

Gene: RAD50 (RAD50 double strand break repair protein; plus strand). Cytogenetic location: 5q31.1.
Variant type: single nucleotide variant.
Coding change: c.1340C>T on transcript NM_005732.4 (MANE Select); coding-DNA position 1340, C replaced by T.
Protein change: p.Ser447Leu; replaces serine 447 with leucine.
Molecular consequence: missense variant.
Genome position (GRCh38, 1-based): chr5:132,589,725, C>T. VCF-style: chr5-132589725-C-T. GRCh37 (hg19) VCF-style: chr5-131925417-C-T.
Other names: short protein forms S447L.
Identifiers: ClinVar variation 184939 (VCV000184939.11), dbSNP rs786201804, ClinGen allele CA190532.